The following is an entry in ClinVar:

NC_000005.9:g.(?_64064974)_(64181393_?)del

Gene: CWC27 (CWC27 spliceosome associated cyclophilin; plus strand). Cytogenetic location: 5q12.3.
Variant type: Deletion.
Identifiers: ClinVar variation 2425425 (VCV002425425.4).

ClinVar aggregate classification (germline): Pathogenic (1 of 4 stars; one submission).

Submission:

Labcorp Genetics (formerly Invitae), Labcorp
Classification: Pathogenic. Last evaluated: 2022-01-28. Review status: criteria provided, single submitter. Criteria: Invitae Variant Classification Sherloc (09022015). Collection method: clinical testing. Allele origin: germline.
Comment: For these reasons, this variant has been classified as Pathogenic. This variant has not been reported in the literature in individuals affected with CWC27-related conditions. This variant is a gross deletion of the genomic region encompassing exon(s) 1-11 of the CWC27 gene, which includes the initiator codon. This deletion extends beyond the assayed region for this gene and therefore may encompass additional genes. It is expected to result in an absent or disrupted protein product. Loss-of-function variants in CWC27 are known to be pathogenic (PMID: 28285769).

Literature cited by the submitters: PubMed 28285769.